The following is an entry in ClinVar:

ClinVar aggregate classification (germline): Pathogenic. Review status: criteria provided, single submitter (1 of 4 stars). 2 submissions from 2 submitters: Pathogenic (1). 1 of the submissions does not count toward it. Last evaluated 2024-03-01.

Conditions:
Nemaline myopathy. Also called: Myopathies, Nemaline. Identifiers: Orphanet 607, MedGen C0206157, MONDO:0018958.
Klippel-Feil anomaly-myopathy-facial dysmorphism syndrome. Also called: Klippel-Feil syndrome 4, autosomal recessive, with myopathy and facial dysmorphism; Klippel-feil syndrome 4, autosomal recessive, with nemaline myopathy and facial dysmorphism. Identifiers: Orphanet 447974, MedGen C4225285, MONDO:0014689, OMIM 616549.

Submissions (2):

Muscle and Diseases Team, Institut de Génétique et Biologie Moléculaire et Cellulaire
Classification: Pathogenic for Nemaline myopathy. Last evaluated: 2024-03-01. Review status: criteria provided, single submitter. Criteria: ACMG Guidelines, 2015. Collection method: research. Allele origin: biparental. Affected: yes. Observed: 1 variant allele.
Comment: PVS1+PS3+PM1+PM2+PP3+PP4+PP5

OMIM
Classification: Pathogenic for KLIPPEL-FEIL SYNDROME 4, AUTOSOMAL RECESSIVE, WITH NEMALINE MYOPATHY AND FACIAL DYSMORPHISM. Last evaluated: 2015-06-01. Review status: no assertion criteria provided. Collection method: literature only. Allele origin: germline. Not counted in ClinVar's aggregate classification.

Literature cited by the submitters: DOI 10.1186/s13073-024-01353-0 (cited by Muscle and Diseases Team, Institut de Génétique et Biologie Moléculaire et Cellulaire); PubMed 27858739 (cited by Muscle and Diseases Team, Institut de Génétique et Biologie Moléculaire et Cellulaire and OMIM); PubMed 25748484 (cited by OMIM).

NM_032608.7(MYO18B):c.6496G>T (p.Glu2166Ter)

Gene: MYO18B (myosin XVIIIB; plus strand). Cytogenetic location: 22q12.1.
Variant type: single nucleotide variant.
Coding change: c.6496G>T on transcript NM_032608.7 (MANE Select); coding-DNA position 6496, G replaced by T.
Protein change: p.Glu2166Ter; replaces glutamic acid 2166 with a stop codon.
Molecular consequence: nonsense.
Genome position (GRCh38, 1-based): chr22:26,026,470, G>T. VCF-style: chr22-26026470-G-T. GRCh37 (hg19) VCF-style: chr22-26422436-G-T.
Other names: c.6499G>T, p.Glu2167Ter (NM_001318245.2); short protein forms E2166*, E2167*.
Identifiers: ClinVar variation 224413 (VCV000224413.3), dbSNP rs869312740, ClinGen allele CA354977.